The following is an entry in ClinVar:

NM_001267550.2(TTN):c.68336_68340dup (p.Glu22781fs)

Genes: TTN-AS1 (TTN antisense RNA 1; plus strand), TTN (titin; minus strand). Cytogenetic location: 2q31.2.
Variant type: Duplication.
Coding change: c.68336_68340dup on transcript NM_001267550.2 (MANE Select); coding-DNA positions 68336 to 68340, 5 bases duplicated (ATCTC; older notation c.68336_68340dupATCTC).
Protein change: p.Glu22781fs; shifts the reading frame from glutamic acid 22781.
Molecular consequence: frameshift variant.
Genome position (GRCh38, 1-based): chr2:178,578,175-178,578,179, GAGAT duplicated on the plus strand (ATCTC on the coding strand, the reverse complement: TTN is on the minus strand); duplicating any 5 consecutive bases within chr2:178,578,175-178,578,181 gives the same sequence; the c. name uses the placement nearest the transcript's 3' end. VCF-style (leftmost placement, unchanged base first): chr2-178578174-C-CGAGAT. GRCh37 (hg19) VCF-style: chr2-179442901-C-CGAGAT.
Other names: c.41141_41145dupATCTC (NM_003319.4); c.63413_63417dup, p.Glu21140fs (NM_001256850.1); c.41141_41145dup, p.Glu13716fs (NM_003319.4); c.60632_60636dup, p.Glu20213fs (NM_133378.4); c.41516_41520dup, p.Glu13841fs (NM_133432.3); c.41717_41721dup, p.Glu13908fs (NM_133437.4); short protein forms E22781fs, E13716fs, E13841fs, E13908fs, E20213fs, E21140fs.
Identifiers: ClinVar variation 2075269 (VCV002075269.5), dbSNP rs2468817642, ClinGen allele CA2580064597.

ClinVar aggregate classification (germline): Likely pathogenic. Review status: criteria provided, multiple submitters, no conflicts (2 of 4 stars). 2 submissions from 2 submitters: Likely pathogenic (2). Last evaluated 2025-05-20.

Conditions:
Cardiovascular phenotype. Identifiers: MedGen CN230736.
Dilated cardiomyopathy 1G (CMD1G). Identifiers: Orphanet 154, MedGen C1858763, MONDO:0011400, OMIM 604145.
Autosomal recessive limb-girdle muscular dystrophy type 2J (LGMDR10). Also called: Limb-girdle muscular dystrophy, type 2J; MUSCULAR DYSTROPHY, LIMB-GIRDLE, AUTOSOMAL RECESSIVE 10. Identifiers: Orphanet 140922, MedGen C1837342, MONDO:0012127, OMIM 608807.

Submissions (2):

Ambry Genetics
Classification: Likely pathogenic for Cardiovascular phenotype. Last evaluated: 2025-05-20. Review status: criteria provided, single submitter. Criteria: Ambry Variant Classification Scheme 2023. Collection method: clinical testing. Allele origin: germline.
Comment: The c.41141_41145dupATCTC variant, located in coding exon 149 of the TTN gene, results from a duplication of ATCTC at nucleotide position 41141, causing a translational frameshift with a predicted alternate stop codon (p.E13716Ifs*20). This exon is located in the A-band region of the N2-B isoform of the titin protein and is constitutively expressed in TTN transcripts (percent spliced in or PSI 100%). This variant is expected to result in loss of function by premature protein truncation or nonsense-mediated mRNA decay. While truncating variants in TTN are present in 1-3% of the general population, truncating variants in the A-band are the most common cause of dilated cardiomyopathy (Herman DS et al. N. Engl. J. Med., 2012 Feb;366:619-28; Roberts AM et al. Sci Transl Med, 2015 Jan;7:270ra6). TTN truncating variants encoded in constitutive exons (PSI >90%) have been found to be significantly associated with DCM regardless of their position in titin (Schafer S et al. Nat. Genet., 2017 01;49:46-53; Akhtar MM et al. Circ Heart Fail, 2020 Oct;13:e006832; Massier M et al. Clin Genet, 2025 Jan). This variant is considered to be rare based on population cohorts in the Genome Aggregation Database (gnomAD). Based on the majority of available evidence to date, this variant is likely to be pathogenic.

Labcorp Genetics (formerly Invitae), Labcorp
Classification: Likely pathogenic for Dilated cardiomyopathy 1G; Autosomal recessive limb-girdle muscular dystrophy type 2J. Last evaluated: 2022-05-25. Review status: criteria provided, single submitter. Criteria: Invitae Variant Classification Sherloc (09022015). Collection method: clinical testing. Allele origin: germline.
Comment: In summary, the currently available evidence indicates that the variant is pathogenic, but additional data are needed to prove that conclusively. Therefore, this variant has been classified as Likely Pathogenic. This variant is located in the A band of TTN (PMID: 25589632). Truncating variants in this region are significantly overrepresented in patients affected with dilated cardiomyopathy (PMID: 25589632). Truncating variants in this region have also been reported in individuals affected with autosomal recessive centronuclear myopathy (PMID: 23975875). This variant has not been reported in the literature in individuals affected with TTN-related conditions. This variant is not present in population databases (gnomAD no frequency). This sequence change creates a premature translational stop signal (p.Glu22781Ilefs*20) in the TTN gene. While this is not anticipated to result in nonsense mediated decay, it is expected to create a truncated TTN protein.

Literature cited by the submitters: PubMed 25589632 (cited by Labcorp Genetics (formerly Invitae), Labcorp); PubMed 23975875 (cited by Labcorp Genetics (formerly Invitae), Labcorp).